The following is an entry in ClinVar:

ClinVar aggregate classification (germline): Likely benign (0 of 4 stars; one submission).

Conditions:
HNF1B-related disorder. Also called: HNF1B-related disorders; HNF1B-related condition.

gnomAD v4.1: 4 of 1,614,070 alleles (0.00025%); highest among the groups gnomAD compares: African/African-American, 0.0053%; no homozygotes.

Submission:

PreventionGenetics, part of Exact Sciences
Classification: Likely benign for HNF1B-related condition. Last evaluated: 2024-01-08. Review status: no assertion criteria provided. Collection method: clinical testing. Allele origin: germline.
Comment: This variant is classified as likely benign based on ACMG/AMP sequence variant interpretation guidelines (Richards et al. 2015 PMID: 25741868, with internal and published modifications).

NM_000458.4(HNF1B):c.561C>G (p.Val187=)

Genes: HNF1B (HNF1 homeobox B; minus strand), LOC126862549 (BRD4-independent group 4 enhancer GRCh37_chr17:36093401-36094600; plus strand). Cytogenetic location: 17q12.
Variant type: single nucleotide variant.
Coding change: c.561C>G on transcript NM_000458.4 (MANE Select); coding-DNA position 561, C replaced by G.
Protein change: p.Val187=; no amino-acid change (valine 187 retained).
Molecular consequence: synonymous variant. On other transcripts: intron variant (2).
Genome position (GRCh38, 1-based): chr17:37,733,805, G>C on the plus strand (C>G on the coding strand, the complement: HNF1B is on the minus strand). VCF-style: chr17-37733805-G-C. GRCh37 (hg19) VCF-style: chr17-36093798-G-C.
Other names: c.561C>G, p.Val187= (NM_001411100.1); c.545-62C>G (NM_001304286.2, NM_001165923.4).
Identifiers: ClinVar variation 3348744 (VCV003348744.1).